The following is an entry in ClinVar:

NM_000238.4(KCNH2):c.402del (p.Lys135fs)

Gene: KCNH2 (potassium voltage-gated channel subfamily H member 2; minus strand). Cytogenetic location: 7q36.1.
Variant type: Deletion.
Coding change: c.402del on transcript NM_000238.4 (MANE Select); coding-DNA position 402, one base deleted (G; older notation c.402delG).
Protein change: p.Lys135fs; shifts the reading frame from lysine 135.
Molecular consequence: frameshift variant.
Genome position (GRCh38, 1-based): chr7:150,959,642, C deleted on the plus strand (G on the coding strand, the reverse complement: KCNH2 is on the minus strand). VCF-style (leftmost placement, unchanged base first): chr7-150959641-TC-T. GRCh37 (hg19) VCF-style: chr7-150656729-TC-T.
Other names: c.402delG, p.Lys135Argfs (NM_000238.3, NM_172056.3); c.114delG, p.Lys39Argfs (NM_001406753.1, NM_001406756.1); c.225delG, p.Lys76Argfs (NM_001406755.1); c.102delG, p.Lys35Argfs (NM_001406757.1); short protein forms K135fs.
Identifiers: ClinVar variation 405355 (VCV000405355.10), dbSNP rs1060500670, ClinGen allele CA16612199.
Genomic context (GRCh38, chr7:150,959,641, plus strand): 5'-GCCAGCTGGTGGGGGGGCCCCGGTGGTTGGTGTCATGAGCCGGGGACCCCACCATGTCCT[TC>T]TCCATCACCACCTCGAAATTGAGGATGAACATGATGACAGCCCCATCCTCGTTCTTCACG-3'

ClinVar aggregate classification (germline): Pathogenic. Review status: criteria provided, multiple submitters, no conflicts (2 of 4 stars). 2 submissions from 2 submitters: Pathogenic (2). Last evaluated 2025-02-15.

Conditions:
Long QT syndrome (LQTS). Identifiers: MedGen C0023976, MeSH D008133, MONDO:0002442. Disease mechanism: loss of function. Inheritance: Various modes of inheritance.

Submissions (2):

Labcorp Genetics (formerly Invitae), Labcorp
Classification: Pathogenic for Long QT syndrome. Last evaluated: 2025-02-15. Review status: criteria provided, single submitter. Criteria: Invitae Variant Classification Sherloc (09022015). Collection method: clinical testing. Allele origin: germline.
Comment: This sequence change creates a premature translational stop signal (p.Lys135Argfs*31) in the KCNH2 gene. It is expected to result in an absent or disrupted protein product. Loss-of-function variants in KCNH2 are known to be pathogenic (PMID: 10973849, 19862833). This variant is not present in population databases (gnomAD no frequency). This variant has not been reported in the literature in individuals affected with KCNH2-related conditions. ClinVar contains an entry for this variant (Variation ID: 405355). For these reasons, this variant has been classified as Pathogenic.

ARUP Laboratories, Molecular Genetics and Genomics, ARUP Laboratories
Classification: Pathogenic. Last evaluated: 2023-02-15. Review status: criteria provided, single submitter. Criteria: ARUP Molecular Germline Variant Investigation Process 2024. Collection method: clinical testing. Allele origin: germline.
Comment: The KCNH2 c.402del; p.Lys135ArgfsTer31 variant (rs1060500670), to our knowledge, is not reported in the medical literature but is reported in ClinVar (Variation ID: 405355). This variant is absent from the Genome Aggregation Database, indicating it is not a common polymorphism. This variant causes a frameshift by deleting a single nucleotide, so it is predicted to result in a truncated protein or mRNA subject to nonsense-mediated decay. Based on available information, this variant is considered to be pathogenic.

Literature cited by the submitters: PubMed 10973849 (cited by Labcorp Genetics (formerly Invitae), Labcorp); PubMed 19862833 (cited by Labcorp Genetics (formerly Invitae), Labcorp).